The following is an entry in ClinVar:

NM_004614.5(TK2):c.125-1G>A

Gene: TK2 (thymidine kinase 2; minus strand). Cytogenetic location: 16q21.
Variant type: single nucleotide variant.
Coding change: c.125-1G>A on transcript NM_004614.5 (MANE Select); the canonical splice acceptor site of the intron before coding-DNA position 125, G replaced by A.
Molecular consequence: splice acceptor variant. On other transcripts: non-coding transcript variant (1).
Genome position (GRCh38, 1-based): chr16:66,549,010, C>T on the plus strand (G>A on the coding strand, the complement: TK2 is on the minus strand). VCF-style: chr16-66549010-C-T. GRCh37 (hg19) VCF-style: chr16-66582913-C-T.
Other names: c.32-1G>A (NM_001271935.1, NM_001172643.1); c.125-1G>A (NM_001172644.2, NM_001172645.2); c.-118-1G>A (NM_001271934.2); c.-167-1G>A (NM_001272050.2).
Identifiers: ClinVar variation 3686708 (VCV003686708.2).

ClinVar aggregate classification (germline): Pathogenic (1 of 4 stars; one submission).

gnomAD v4.1: 1 of 1,613,668 alleles (0.000062%); highest among the groups gnomAD compares: South Asian, 0.0011%; no homozygotes.

Submission:

Labcorp Genetics (formerly Invitae), Labcorp
Classification: Pathogenic. Last evaluated: 2024-07-31. Review status: criteria provided, single submitter. Criteria: Invitae Variant Classification Sherloc (09022015). Collection method: clinical testing. Allele origin: germline.
Comment: This sequence change affects an acceptor splice site in intron 1 of the TK2 gene. It is expected to disrupt RNA splicing. Variants that disrupt the donor or acceptor splice site typically lead to a loss of protein function (PMID: 16199547), and loss-of-function variants in TK2 are known to be pathogenic (PMID: 20421844). This variant is not present in population databases (gnomAD no frequency). Disruption of this splice site has been observed in individual(s) with mitochondrial DNA depletion syndrome (PMID: 27660820). Algorithms developed to predict the effect of sequence changes on RNA splicing suggest that this variant may disrupt the consensus splice site. For these reasons, this variant has been classified as Pathogenic.

Literature cited by the submitters: PubMed 16199547; PubMed 20421844; PubMed 27660820.